The following is an entry in ClinVar:

ClinVar aggregate classification (germline): Likely benign. Review status: criteria provided, multiple submitters, no conflicts (2 of 4 stars). 3 submissions from 3 submitters: Likely benign (2). 1 of the submissions does not count toward it. Last evaluated 2025-11-17.

Conditions:
DNMT3A-related disorder. Also called: DNMT3A-related disorders; DNMT3A-related condition.
Inborn genetic diseases. Identifiers: MedGen C0950123, MeSH D030342.
Tatton-Brown-Rahman overgrowth syndrome. Also called: Tatton-Brown-Rahman syndrome; Tall stature-intellectual disability-facial dysmorphism syndrome. Identifiers: Orphanet 404443, MedGen C4014545, MONDO:0014382, OMIM 615879.

Allele frequency attached by ClinVar (database versions not stated): ExAC 0.00002; TOPMed 0.00003.
gnomAD v4.1: 23 of 1,614,074 alleles (0.0014%); highest among the groups gnomAD compares: Admixed American, 0.013%; no homozygotes.

Submissions (3):

Labcorp Genetics (formerly Invitae), Labcorp
Classification: Likely benign for Tatton-Brown-Rahman overgrowth syndrome. Last evaluated: 2025-11-17. Review status: criteria provided, single submitter. Criteria: Invitae Variant Classification Sherloc (09022015). Collection method: clinical testing. Allele origin: germline.

Ambry Genetics
Classification: Likely benign for Inborn genetic diseases. Last evaluated: 2024-11-18. Review status: criteria provided, single submitter. Criteria: Ambry Variant Classification Scheme 2023. Collection method: clinical testing. Allele origin: germline.

PreventionGenetics, part of Exact Sciences
Classification: Likely benign for DNMT3A-related condition. Last evaluated: 2022-04-17. Review status: no assertion criteria provided. Collection method: clinical testing. Allele origin: germline. Not counted in ClinVar's aggregate classification.
Comment: This variant is classified as likely benign based on ACMG/AMP sequence variant interpretation guidelines (Richards et al. 2015 PMID: 25741868, with internal and published modifications).

NM_022552.5(DNMT3A):c.948G>C (p.Thr316=)

Gene: DNMT3A (DNA methyltransferase 3 alpha; minus strand). Cytogenetic location: 2p23.3.
Variant type: single nucleotide variant.
Coding change: c.948G>C on transcript NM_022552.5 (MANE Select); coding-DNA position 948, G replaced by C.
Protein change: p.Thr316=; no amino-acid change (threonine 316 retained).
Molecular consequence: synonymous variant. On other transcripts: non-coding transcript variant (1).
Genome position (GRCh38, 1-based): chr2:25,247,657, C>G on the plus strand (G>C on the coding strand, the complement: DNMT3A is on the minus strand). VCF-style: chr2-25247657-C-G. GRCh37 (hg19) VCF-style: chr2-25470526-C-G.
Other names: c.492G>C, p.Thr164= (NM_001320893.1); c.279G>C, p.Thr93= (NM_001375819.1); c.381G>C, p.Thr127= (NM_153759.3); c.948G>C, p.Thr316= (NM_175629.2); c.948G>C (NM_022552.3).
Identifiers: ClinVar variation 3056210 (VCV003056210.5), dbSNP rs778681446, ClinGen allele CA1556236.